The following is an entry in ClinVar:

NM_000077.5(CDKN2A):c.150+153T>A

Gene: CDKN2A (cyclin dependent kinase inhibitor 2A; minus strand). Cytogenetic location: 9p21.3.
Variant type: single nucleotide variant.
Coding change: c.150+153T>A on transcript NM_000077.5 (MANE Select); 153 bases into the intron after coding-DNA position 150, T replaced by A.
Molecular consequence: intron variant. On other transcripts: synonymous variant (1).
Genome position (GRCh38, 1-based): chr9:21,974,525, A>T on the plus strand (T>A on the coding strand, the complement: CDKN2A is on the minus strand). VCF-style: chr9-21974525-A-T. GRCh37 (hg19) VCF-style: chr9-21974524-A-T.
Other names: c.303T>A, p.Pro101= (NM_058197.5); c.-3-3317T>A (NM_001363763.2); c.194-3317T>A (NM_058195.4); c.150+153T>A (NM_001195132.2).
Identifiers: ClinVar variation 2659129 (VCV002659129.26), dbSNP rs150447516, ClinGen allele CA5012266.

ClinVar aggregate classification (germline): Likely benign. Review status: criteria provided, multiple submitters, no conflicts (2 of 4 stars). 3 submissions from 3 submitters: Likely benign (3). Last evaluated 2026-08-01.

Allele frequency attached by ClinVar (database versions not stated): ExAC 0.00072; gnomAD exomes 0.00029; TOPMed 0.00260; 1000 Genomes Project 30x 0.00281; ESP Exome Variant Server 0.00277; 1000 Genomes Project 0.00280.
gnomAD v4.1: 806 of 1,613,142 alleles (0.05%); highest among the groups gnomAD compares: African/African-American, 0.96%; 4 homozygotes.

Submissions (3):

CeGaT Center for Human Genetics Tuebingen
Classification: Likely benign. Last evaluated: 2026-08-01. Review status: criteria provided, single submitter. Criteria: CeGaT Center For Human Genetics Tuebingen Variant Classification Criteria Version 2. Collection method: clinical testing. Allele origin: germline. Affected: yes. Observed: 8 variant alleles.
Comment: CDKN2A: BP4, BP7, BS1

ARUP Laboratories, Molecular Genetics and Genomics, ARUP Laboratories
Classification: Likely benign. Last evaluated: 2025-05-20. Review status: criteria provided, single submitter. Criteria: ARUP Molecular Germline Variant Investigation Process 2024. Collection method: clinical testing. Allele origin: germline.

Blueprint Genetics
Classification: Likely benign. Last evaluated: 2024-09-25. Review status: criteria provided, single submitter. Criteria: ACMG Guidelines, 2015. Collection method: clinical testing. Allele origin: germline.